The following is an entry in ClinVar:

NM_014795.4(ZEB2):c.3608C>T (p.Ser1203Leu)

Gene: ZEB2 (zinc finger E-box binding homeobox 2; minus strand). Cytogenetic location: 2q22.3.
Variant type: single nucleotide variant.
Coding change: c.3608C>T on transcript NM_014795.4 (MANE Select); coding-DNA position 3608, C replaced by T.
Protein change: p.Ser1203Leu; replaces serine 1203 with leucine.
Molecular consequence: missense variant.
Genome position (GRCh38, 1-based): chr2:144,389,488, G>A on the plus strand (C>T on the coding strand, the complement: ZEB2 is on the minus strand). VCF-style: chr2-144389488-G-A. GRCh37 (hg19) VCF-style: chr2-145147055-G-A.
Other names: c.3536C>T, p.Ser1179Leu (NM_001171653.2); short protein forms S1179L, S1203L.
Identifiers: ClinVar variation 1424498 (VCV001424498.8), dbSNP rs758670673, ClinGen allele CA1898098.

ClinVar aggregate classification (germline): Uncertain significance (1 of 4 stars; one submission).

Conditions:
Mowat-Wilson syndrome (MOWS). Also called: Classic Mowat-Wilson Syndrome. Identifiers: Orphanet 2152, MedGen C1856113, MONDO:0009341, OMIM 235730.

Allele frequency attached by ClinVar (database versions not stated): gnomAD exomes below 0.00001; ExAC 0.00001; gnomAD 0.00001 and 0.00002.
gnomAD v4.1: 12 of 1,613,968 alleles (0.00074%); highest among the groups gnomAD compares: Admixed American, 0.0017%; no homozygotes.

Submission:

Labcorp Genetics (formerly Invitae), Labcorp
Classification: Uncertain significance for Mowat-Wilson syndrome. Last evaluated: 2025-08-02. Review status: criteria provided, single submitter. Criteria: Invitae Variant Classification Sherloc (09022015). Collection method: clinical testing. Allele origin: germline.
Comment: This sequence change replaces serine, which is neutral and polar, with leucine, which is neutral and non-polar, at codon 1203 of the ZEB2 protein (p.Ser1203Leu). This variant is present in population databases (rs758670673, gnomAD 0.0009%). This variant has not been reported in the literature in individuals affected with ZEB2-related conditions. ClinVar contains an entry for this variant (Variation ID: 1424498). Invitae Evidence Modeling incorporating data from in vitro experimental studies (internal data) indicates that this missense variant is not expected to disrupt ZEB2 function with a negative predictive value of 95%. In summary, the available evidence is currently insufficient to determine the role of this variant in disease. Therefore, it has been classified as a Variant of Uncertain Significance.